The following is an entry in ClinVar:

NM_031407.7(HUWE1):c.6820A>G (p.Lys2274Glu)

Gene: HUWE1 (HECT, UBA and WWE domain containing E3 ubiquitin protein ligase 1; minus strand). Cytogenetic location: Xp11.22.
Variant type: single nucleotide variant.
Coding change: c.6820A>G on transcript NM_031407.7 (MANE Select); coding-DNA position 6820, A replaced by G.
Protein change: p.Lys2274Glu; replaces lysine 2274 with glutamic acid.
Molecular consequence: missense variant.
Genome position (GRCh38, 1-based): chrX:53,565,127, T>C on the plus strand (A>G on the coding strand, the complement: HUWE1 is on the minus strand). VCF-style: chrX-53565127-T-C. GRCh37 (hg19) VCF-style: chrX-53592088-T-C.
Other names: short protein forms K2274E.
Identifiers: ClinVar variation 3776667 (VCV003776667.1).

ClinVar aggregate classification (germline): Uncertain significance (1 of 4 stars; one submission).

Submission:

GeneDx
Classification: Uncertain significance. Last evaluated: 2024-10-04. Review status: criteria provided, single submitter. Criteria: GeneDx Variant Classification Process June 2021. Collection method: clinical testing. Allele origin: germline. Affected: yes.
Comment: Not observed at significant frequency in large population cohorts (gnomAD); In silico analysis indicates that this missense variant does not alter protein structure/function; Has not been previously published as pathogenic or benign to our knowledge